The following is an entry in ClinVar:

NM_001164508.2(NEB):c.22905G>T (p.Gly7635=)

Genes: NEB (nebulin; minus strand), RIF1 (replication timing regulatory factor 1; plus strand). Cytogenetic location: 2q23.3.
Variant type: single nucleotide variant.
Coding change: c.22905G>T on transcript NM_001164508.2 (MANE Select); coding-DNA position 22905, G replaced by T.
Protein change: p.Gly7635=; no amino-acid change (glycine 7635 retained).
Molecular consequence: synonymous variant.
Genome position (GRCh38, 1-based): chr2:151,516,459, C>A on the plus strand (G>T on the coding strand, the complement: NEB is on the minus strand). VCF-style: chr2-151516459-C-A. GRCh37 (hg19) VCF-style: chr2-152372973-C-A.
Other names: c.22905G>T, p.Gly7635= (NM_001164507.2); c.23010G>T, p.Gly7670= (NM_001271208.2); c.17802G>T, p.Gly5934= (NM_004543.5).
Identifiers: ClinVar variation 3664788 (VCV003664788.2).

ClinVar aggregate classification (germline): Uncertain significance (1 of 4 stars; one submission).

Conditions:
Nemaline myopathy 2 (NEM2). Also called: Nemaline myopathy 2, autosomal recessive. Identifiers: MedGen C1850569, MONDO:0009725, OMIM 256030.

gnomAD v4.1: 3 of 1,603,908 alleles (0.00019%); highest among the groups gnomAD compares: Non-Finnish European, 0.000085%; no homozygotes.

Submission:

Labcorp Genetics (formerly Invitae), Labcorp
Classification: Uncertain significance for Nemaline myopathy 2. Last evaluated: 2024-08-08. Review status: criteria provided, single submitter. Criteria: Invitae Variant Classification Sherloc (09022015). Collection method: clinical testing. Allele origin: germline.
Comment: This sequence change affects codon 7670 of the NEB mRNA. It is a 'silent' change, meaning that it does not change the encoded amino acid sequence of the NEB protein. This variant also falls at the last nucleotide of exon 158, which is part of the consensus splice site for this exon. This variant is not present in population databases (gnomAD no frequency). This variant has not been reported in the literature in individuals affected with NEB-related conditions. Variants that disrupt the consensus splice site are a relatively common cause of aberrant splicing (PMID: 17576681, 9536098). Algorithms developed to predict the effect of sequence changes on RNA splicing suggest that this variant is not likely to affect RNA splicing. In summary, the available evidence is currently insufficient to determine the role of this variant in disease. Therefore, it has been classified as a Variant of Uncertain Significance.

Literature cited by the submitters: PubMed 17576681; PubMed 9536098.